The following is an entry in ClinVar:

ClinVar aggregate classification (germline): Likely pathogenic (1 of 4 stars; one submission).

Submission:

GeneDx
Classification: Likely pathogenic. Last evaluated: 2016-12-21. Review status: criteria provided, single submitter. Criteria: GeneDx Variant Classification (06012015). Collection method: clinical testing. Allele origin: germline. Affected: yes.
Comment: The S62N variant in the PGK1 gene has not been reported previously as a pathogenic variant, nor as a benign variant, to our knowledge. The S62N variant was not observed in approximately 6500 individuals of European and African American ancestry in the NHLBI Exome Sequencing Project, indicating it is not a common benign variant in these populations. The S62N variant is a conservative amino acid substitution, which is not likely to impact secondary protein structure as these residues share similar properties. However, this substitution occurs at a position that is conserved across species and in silico analysis predicts this variant is probably damaging to the protein structure/function. The S62N variant is a strong candidate for a pathogenic variant

NM_000291.4(PGK1):c.185G>A (p.Ser62Asn)

Gene: PGK1 (phosphoglycerate kinase 1; plus strand). Cytogenetic location: Xq21.1.
Variant type: single nucleotide variant.
Coding change: c.185G>A on transcript NM_000291.4 (MANE Select); coding-DNA position 185, G replaced by A.
Protein change: p.Ser62Asn; replaces serine 62 with asparagine.
Molecular consequence: missense variant.
Genome position (GRCh38, 1-based): chrX:78,113,812, G>A. VCF-style: chrX-78113812-G-A. GRCh37 (hg19) VCF-style: chrX-77369309-G-A.
Other names: short protein forms S62N.
Identifiers: ClinVar variation 391568 (VCV000391568.2), dbSNP rs1057524140, ClinGen allele CA16609217.
Genomic context (GRCh38, chrX:78,113,812, plus strand): 5'-CTGCTGTCCCAAGCATCAAATTCTGCTTGGACAATGGAGCCAAGTCGGTAGTCCTTATGA[G>A]CCACCTAGGCCGGCCTGATGGTGTGCCCATGCCTGACAAGTACTCCTTAGAGCCAGTTGC-3'
Protein context (NP_000282.1, residues 52-72): DNGAKSVVLM[Ser62Asn]HLGRPDGVPM